The following is an entry in ClinVar:

NM_000540.3(RYR1):c.14350A>C (p.Ile4784Leu)

Gene: RYR1 (ryanodine receptor 1; plus strand). Cytogenetic location: 19q13.2.
Variant type: single nucleotide variant.
Coding change: c.14350A>C on transcript NM_000540.3 (MANE Select); coding-DNA position 14350, A replaced by C.
Protein change: p.Ile4784Leu; replaces isoleucine 4784 with leucine.
Molecular consequence: missense variant.
Genome position (GRCh38, 1-based): chr19:38,578,190, A>C. VCF-style: chr19-38578190-A-C. GRCh37 (hg19) VCF-style: chr19-39068830-A-C.
Other names: c.14335A>C, p.Ile4779Leu (NM_001042723.2); short protein forms I4779L, I4784L.
Identifiers: ClinVar variation 1001848 (VCV001001848.7), dbSNP rs1974045575, ClinGen allele CA405685354.

ClinVar aggregate classification (germline): Uncertain significance (1 of 4 stars; one submission).

Conditions:
RYR1-related disorder. Also called: RYR1-related condition; RYR1-related disorders. Identifiers: MedGen CN239331.

Allele frequency attached by ClinVar (database versions not stated): TOPMed below 0.00001.

Submission:

Labcorp Genetics (formerly Invitae), Labcorp
Classification: Uncertain significance for RYR1-related disorder. Last evaluated: 2025-12-01. Review status: criteria provided, single submitter. Criteria: Invitae Variant Classification Sherloc (09022015). Collection method: clinical testing. Allele origin: germline.
Comment: This sequence change replaces isoleucine, which is neutral and non-polar, with leucine, which is neutral and non-polar, at codon 4784 of the RYR1 protein (p.Ile4784Leu). This variant is not present in population databases (gnomAD no frequency). This variant has not been reported in the literature in individuals affected with RYR1-related conditions. ClinVar contains an entry for this variant (Variation ID: 1001848). Invitae Evidence Modeling of protein sequence and biophysical properties (such as structural, functional, and spatial information, amino acid conservation, physicochemical variation, residue mobility, and thermodynamic stability) indicates that this missense variant is not expected to disrupt RYR1 protein function with a negative predictive value of 80%. In summary, the available evidence is currently insufficient to determine the role of this variant in disease. Therefore, it has been classified as a Variant of Uncertain Significance.